The following is an entry in ClinVar:

NM_014249.4(NR2E3):c.1142T>G (p.Ile381Ser)

Gene: NR2E3 (nuclear receptor subfamily 2 group E member 3; plus strand). Cytogenetic location: 15q23.
Variant type: single nucleotide variant.
Coding change: c.1142T>G on transcript NM_014249.4 (MANE Select); coding-DNA position 1142, T replaced by G.
Protein change: p.Ile381Ser; replaces isoleucine 381 with serine.
Molecular consequence: missense variant.
Genome position (GRCh38, 1-based): chr15:71,817,593, T>G. VCF-style: chr15-71817593-T-G. GRCh37 (hg19) VCF-style: chr15-72109934-T-G.
Other names: short protein forms I381S.
Identifiers: ClinVar variation 1041570 (VCV001041570.9), dbSNP rs768530931, ClinGen allele CA7640530.

ClinVar aggregate classification (germline): Uncertain significance. Review status: criteria provided, multiple submitters, no conflicts (2 of 4 stars). 2 submissions from 2 submitters: Uncertain significance (2). Last evaluated 2022-06-27.

Allele frequency attached by ClinVar (database versions not stated): TOPMed below 0.00001; ExAC 0.00001; gnomAD exomes 0.00001 and 0.00002.
gnomAD v4.1: 5 of 1,604,148 alleles (0.00031%); highest among the groups gnomAD compares: Admixed American, 0.0083%; no homozygotes.

Submissions (2):

Labcorp Genetics (formerly Invitae), Labcorp
Classification: Uncertain significance. Last evaluated: 2022-06-27. Review status: criteria provided, single submitter. Criteria: Invitae Variant Classification Sherloc (09022015). Collection method: clinical testing. Allele origin: germline.
Comment: This sequence change replaces isoleucine, which is neutral and non-polar, with serine, which is neutral and polar, at codon 381 of the NR2E3 protein (p.Ile381Ser). This variant is present in population databases (rs768530931, gnomAD 0.01%). This variant has not been reported in the literature in individuals affected with NR2E3-related conditions. ClinVar contains an entry for this variant (Variation ID: 1041570). Experimental studies and prediction algorithms are not available or were not evaluated, and the functional significance of this variant is currently unknown. In summary, the available evidence is currently insufficient to determine the role of this variant in disease. Therefore, it has been classified as a Variant of Uncertain Significance.

GeneDx
Classification: Uncertain significance. Last evaluated: 2022-05-06. Review status: criteria provided, single submitter. Criteria: GeneDx Variant Classification Process June 2021. Collection method: clinical testing. Allele origin: germline. Affected: yes.
Comment: In silico analysis supports that this missense variant has a deleterious effect on protein structure/function; This variant is associated with the following publications: (PMID: 32439068)